The following is an entry in ClinVar:

NM_003235.5(TG):c.7601G>C (p.Ser2534Thr)

Gene: TG (thyroglobulin; plus strand). Cytogenetic location: 8q24.22.
Variant type: single nucleotide variant.
Coding change: c.7601G>C on transcript NM_003235.5 (MANE Select); coding-DNA position 7601, G replaced by C.
Protein change: p.Ser2534Thr; replaces serine 2534 with threonine.
Molecular consequence: missense variant.
Genome position (GRCh38, 1-based): chr8:133,113,450, G>C. VCF-style: chr8-133113450-G-C. GRCh37 (hg19) VCF-style: chr8-134125694-G-C.
Other names: short protein forms S2534T.
Identifiers: ClinVar variation 3345173 (VCV003345173.1).
Genomic context (GRCh38, chr8:133,113,450, plus strand): 5'-CTGAGGAATTTCGTATCTTTTTTTTTTTCTAGCAATTTGAGGAAAGTCGAGGCCGGACCA[G>C]TAGCAAAACAGCCTTTTACCAGGCACTGCAGAATTCTCTGGGTGGCGAGGACTCAGATGC-3'
Protein context (NP_003226.4, residues 2524-2544): KQFEESRGRT[Ser2534Thr]SKTAFYQALQ

ClinVar aggregate classification (germline): Uncertain significance (0 of 4 stars; one submission).

Conditions:
TG-related disorder. Also called: TG-related condition; TG-related disorders.

Submission:

PreventionGenetics, part of Exact Sciences
Classification: Uncertain significance for TG-related condition. Last evaluated: 2024-06-30. Review status: no assertion criteria provided. Collection method: clinical testing. Allele origin: germline.
Comment: The TG c.7601G>C variant is predicted to result in the amino acid substitution p.Ser2534Thr. To our knowledge, this variant has not been reported in the literature or in a large population database, indicating this variant is rare. At this time, the clinical significance of this variant is uncertain due to the absence of conclusive functional and genetic evidence.